The following is an entry in ClinVar:

ClinVar aggregate classification (germline): Uncertain significance (1 of 4 stars; one submission).

Submission:

Labcorp Genetics (formerly Invitae), Labcorp
Classification: Uncertain significance. Last evaluated: 2023-10-17. Review status: criteria provided, single submitter. Criteria: Invitae Variant Classification Sherloc (09022015). Collection method: clinical testing. Allele origin: germline.
Comment: This sequence change replaces aspartic acid, which is acidic and polar, with asparagine, which is neutral and polar, at codon 330 of the TOPORS protein (p.Asp330Asn). This variant is not present in population databases (gnomAD no frequency). This variant has not been reported in the literature in individuals affected with TOPORS-related conditions. An algorithm developed to predict the effect of missense changes on protein structure and function (PolyPhen-2) suggests that this variant is likely to be disruptive. In summary, the available evidence is currently insufficient to determine the role of this variant in disease. Therefore, it has been classified as a Variant of Uncertain Significance.

NM_005802.5(TOPORS):c.988G>A (p.Asp330Asn)

Gene: TOPORS (TOP1 binding arginine/serine rich protein, E3 ubiquitin ligase; minus strand). Cytogenetic location: 9p21.1.
Variant type: single nucleotide variant.
Coding change: c.988G>A on transcript NM_005802.5 (MANE Select); coding-DNA position 988, G replaced by A.
Protein change: p.Asp330Asn; replaces aspartic acid 330 with asparagine.
Molecular consequence: missense variant.
Genome position (GRCh38, 1-based): chr9:32,543,537, C>T on the plus strand (G>A on the coding strand, the complement: TOPORS is on the minus strand). VCF-style: chr9-32543537-C-T. GRCh37 (hg19) VCF-style: chr9-32543535-C-T.
Other names: c.793G>A, p.Asp265Asn (NM_001195622.2); short protein forms D265N, D330N.
Identifiers: ClinVar variation 2777897 (VCV002777897.3), dbSNP rs2489452758, ClinGen allele CA373171438.
Genomic context (GRCh38, chr9:32,543,537, plus strand): 5'-GCTCAGTTCGATTAAGTAAAAATGGTCTTAAATCAGACACAAATGCCTGACTCTCCAAGT[C>T]ATAGCGAGTAACATTACTCATGATAATATGCTGGACAATATTCACTAAAGATCCATGAGC-3'
Protein context (NP_005793.2, residues 320-340): HIIMSNVTRY[Asp330Asn]LESQAFVSDL